The following is an entry in ClinVar:

ClinVar aggregate classification (germline): Uncertain significance (1 of 4 stars; one submission).

Allele frequency attached by ClinVar (database versions not stated): TOPMed 0.00002.
gnomAD v4.1: 42 of 1,614,044 alleles (0.0026%); highest among the groups gnomAD compares: Non-Finnish European, 0.0036%; no homozygotes.

Submission:

Labcorp Genetics (formerly Invitae), Labcorp
Classification: Uncertain significance. Last evaluated: 2022-03-13. Review status: criteria provided, single submitter. Criteria: Invitae Variant Classification Sherloc (09022015). Collection method: clinical testing. Allele origin: germline.
Comment: This sequence change replaces proline, which is neutral and non-polar, with serine, which is neutral and polar, at codon 1529 of the SRCAP protein (p.Pro1529Ser). This variant is present in population databases (no rsID available, gnomAD 0.003%). This variant has not been reported in the literature in individuals affected with SRCAP-related conditions. Algorithms developed to predict the effect of missense changes on protein structure and function output the following: SIFT: "Tolerated"; PolyPhen-2: "Possibly Damaging"; Align-GVGD: "Class C0". The serine amino acid residue is found in multiple mammalian species, which suggests that this missense change does not adversely affect protein function. In summary, the available evidence is currently insufficient to determine the role of this variant in disease. Therefore, it has been classified as a Variant of Uncertain Significance.

NM_006662.3(SRCAP):c.4585C>T (p.Pro1529Ser)

Gene: SRCAP (Snf2 related CREBBP activator protein; plus strand). Cytogenetic location: 16p11.2.
Variant type: single nucleotide variant.
Coding change: c.4585C>T on transcript NM_006662.3 (MANE Select); coding-DNA position 4585, C replaced by T.
Protein change: p.Pro1529Ser; replaces proline 1529 with serine.
Molecular consequence: missense variant.
Genome position (GRCh38, 1-based): chr16:30,724,009, C>T. VCF-style: chr16-30724009-C-T. GRCh37 (hg19) VCF-style: chr16-30735330-C-T.
Other names: short protein forms P1529S.
Identifiers: ClinVar variation 2192257 (VCV002192257.4), dbSNP rs971754557, ClinGen allele CA280513328.